The following is an entry in ClinVar:

ClinVar aggregate classification (germline): Uncertain significance. Review status: criteria provided, multiple submitters, no conflicts (2 of 4 stars). 2 submissions from 2 submitters: Uncertain significance (2). Last evaluated 2025-11-24.

Conditions:
PLXNA1-related disorder. Also called: PLXNA1-related condition.

Allele frequency attached by ClinVar (database versions not stated): gnomAD exomes 0.00001; ExAC 0.00005; gnomAD 0.00011; ESP Exome Variant Server 0.00015; TOPMed 0.00019.

Submissions (2):

PreventionGenetics, part of Exact Sciences
Classification: Uncertain significance for PLXNA1-related condition. Last evaluated: 2025-11-24. Review status: criteria provided, single submitter. Criteria: ACMG Guidelines, 2015. Collection method: clinical testing. Allele origin: germline.
Comment: The PLXNA1 c.1900G>A variant is predicted to result in the amino acid substitution p.Asp634Asn. To our knowledge, this variant has not been reported in the literature. This variant is reported in 0.052% of alleles in individuals of African descent in gnomAD, which is likely too common to be a primary cause of disease. Although we suspect this variant may be benign, at this time, the clinical significance is uncertain due to the absence of conclusive functional and genetic evidence.

Ambry Genetics
Classification: Uncertain significance. Last evaluated: 2025-04-28. Review status: criteria provided, single submitter. Criteria: Ambry Variant Classification Scheme 2023. Collection method: clinical testing. Allele origin: germline.

NM_032242.4(PLXNA1):c.1900G>A (p.Asp634Asn)

Gene: PLXNA1 (plexin A1; plus strand). Cytogenetic location: 3q21.3.
Variant type: single nucleotide variant.
Coding change: c.1900G>A on transcript NM_032242.4 (MANE Select); coding-DNA position 1900, G replaced by A.
Protein change: p.Asp634Asn; replaces aspartic acid 634 with asparagine.
Molecular consequence: missense variant.
Genome position (GRCh38, 1-based): chr3:127,006,081, G>A. VCF-style: chr3-127006081-G-A. GRCh37 (hg19) VCF-style: chr3-126724924-G-A.
Other names: short protein forms D634N.
Identifiers: ClinVar variation 2634362 (VCV002634362.5), dbSNP rs145729852, ClinGen allele CA2593425.